The following is an entry in ClinVar:

NM_000187.4(HGD):c.424A>G (p.Met142Val)

Gene: HGD (homogentisate 1,2-dioxygenase; minus strand). Cytogenetic location: 3q13.33.
Variant type: single nucleotide variant.
Coding change: c.424A>G on transcript NM_000187.4 (MANE Select); coding-DNA position 424, A replaced by G.
Protein change: p.Met142Val; replaces methionine 142 with valine.
Molecular consequence: missense variant.
Genome position (GRCh38, 1-based): chr3:120,650,784, T>C on the plus strand (A>G on the coding strand, the complement: HGD is on the minus strand). VCF-style: chr3-120650784-T-C. GRCh37 (hg19) VCF-style: chr3-120369631-T-C.
Other names: short protein forms M142V.
Identifiers: ClinVar variation 3607577 (VCV003607577.2).

ClinVar aggregate classification (germline): Uncertain significance (1 of 4 stars; one submission).

Conditions:
Alkaptonuria (AKU). Also called: HOMOGENTISIC ACID OXIDASE DEFICIENCY; Alcaptonuria; Homogentisic acidura; Alkaptonuric ochronosis. Identifiers: Orphanet 56, MedGen C0002066, MONDO:0008753, OMIM 203500.

Submission:

Labcorp Genetics (formerly Invitae), Labcorp
Classification: Uncertain significance for Alkaptonuria. Last evaluated: 2024-06-25. Review status: criteria provided, single submitter. Criteria: Invitae Variant Classification Sherloc (09022015). Collection method: clinical testing. Allele origin: germline.
Comment: This sequence change replaces methionine, which is neutral and non-polar, with valine, which is neutral and non-polar, at codon 142 of the HGD protein (p.Met142Val). This variant is not present in population databases (gnomAD no frequency). This variant has not been reported in the literature in individuals affected with HGD-related conditions. Advanced modeling of protein sequence and biophysical properties (such as structural, functional, and spatial information, amino acid conservation, physicochemical variation, residue mobility, and thermodynamic stability) performed at Invitae indicates that this missense variant is expected to disrupt HGD protein function with a positive predictive value of 80%. In summary, the available evidence is currently insufficient to determine the role of this variant in disease. Therefore, it has been classified as a Variant of Uncertain Significance.